The following is an entry in ClinVar:

NM_001389.5(DSCAM):c.1973A>G (p.Asn658Ser)

Gene: DSCAM (DS cell adhesion molecule; minus strand). Cytogenetic location: 21q22.2.
Variant type: single nucleotide variant.
Coding change: c.1973A>G on transcript NM_001389.5 (MANE Select); coding-DNA position 1973, A replaced by G.
Protein change: p.Asn658Ser; replaces asparagine 658 with serine.
Molecular consequence: missense variant. On other transcripts: non-coding transcript variant (1).
Genome position (GRCh38, 1-based): chr21:40,312,170, T>C on the plus strand (A>G on the coding strand, the complement: DSCAM is on the minus strand). VCF-style: chr21-40312170-T-C. GRCh37 (hg19) VCF-style: chr21-41684097-T-C.
Other names: c.1973A>G, p.Asn658Ser (NM_001271534.3); short protein forms N658S.
Identifiers: ClinVar variation 4989701 (VCV004989701.1).

ClinVar aggregate classification (germline): Uncertain significance (1 of 4 stars; one submission).

Conditions:
DSCAM-related disorder. Also called: DSCAM-related condition.

gnomAD v4.1: 6 of 1,614,014 alleles (0.00037%); highest among the groups gnomAD compares: Middle Eastern, 0.016%; no homozygotes.

Submission:

PreventionGenetics, part of Exact Sciences
Classification: Uncertain significance for DSCAM-related condition. Last evaluated: 2026-09-03. Review status: criteria provided, single submitter. Criteria: ACMG Guidelines, 2015. Collection method: clinical testing. Allele origin: germline.
Comment: The DSCAM c.1973A>G variant is predicted to result in the amino acid substitution p.Asn658Ser. To our knowledge, this variant has not been reported in the literature or in a large population database (gnomAD), indicating this variant is rare. At this time, the clinical significance of this variant is uncertain due to the absence of conclusive functional and genetic evidence.